The following is an entry in ClinVar:

ClinVar aggregate classification (germline): Benign. Review status: criteria provided, multiple submitters, no conflicts (2 of 4 stars). 3 submissions from 2 submitters: Benign (3). Last evaluated 2018-06-26.

Conditions:
Charcot-Marie-Tooth disease type 4J (CMT4J). Also called: CHARCOT-MARIE-TOOTH DISEASE, AUTOSOMAL RECESSIVE, TYPE 4J; Charcot-Marie-Tooth Neuropathy Type 4J; CHARCOT-MARIE-TOOTH DISEASE, DEMYELINATING, TYPE 4J. Identifiers: Orphanet 139515, MedGen C1970011, MONDO:0012640, OMIM 611228.
Amyotrophic lateral sclerosis type 11 (ALS11). Identifiers: Orphanet 803, MedGen C2675491, MONDO:0012945, OMIM 612577.

Allele frequency attached by ClinVar (database versions not stated): gnomAD exomes 0.03374 and 0.04348; ExAC 0.04628; gnomAD 0.08201 and 0.08648; 1000 Genomes Project 0.08387; 1000 Genomes Project 30x 0.08526; TOPMed 0.08916; ESP Exome Variant Server 0.09419.
gnomAD v4.1: 62,263 of 1,602,934 alleles (3.9%); highest among the groups gnomAD compares: African/African-American, 22%; 2,823 homozygotes.

Submissions (3):

GeneDx
Classification: Benign. Last evaluated: 2018-06-26. Review status: criteria provided, single submitter. Criteria: GeneDx Variant Classification Process June 2021. Collection method: clinical testing. Allele origin: germline. Affected: yes.

Illumina Laboratory Services, Illumina
Classification: Benign for Charcot-Marie-Tooth disease type 4J. Last evaluated: 2018-01-13. Review status: criteria provided, single submitter. Criteria: ICSL Variant Classification Criteria 13 December 2019. Collection method: clinical testing. Allele origin: germline.
Comment: This variant was observed in the ICSL laboratory as part of a predisposition screen in an ostensibly healthy population. It had not been previously curated by ICSL or reported in the Human Gene Mutation Database (HGMD: prior to June 1st, 2018), and was therefore a candidate for classification through an automated scoring system. Utilizing variant allele frequency, disease prevalence and penetrance estimates, and inheritance mode, an automated score was calculated to assess if this variant is too frequent to cause the disease. Based on the score and internal cut-off values, a variant classified as benign is not then subjected to further curation. The score for this variant resulted in a classification of benign for this disease.

Illumina Laboratory Services, Illumina
Classification: Benign for Amyotrophic lateral sclerosis type 11. Last evaluated: 2018-01-13. Review status: criteria provided, single submitter. Criteria: ICSL Variant Classification Criteria 13 December 2019. Collection method: clinical testing. Allele origin: germline.
Comment: the same text as in the submission from Illumina Laboratory Services, Illumina above.

NM_014845.6(FIG4):c.*29G>A

Gene: FIG4 (FIG4 phosphoinositide 5-phosphatase; plus strand). Cytogenetic location: 6q21.
Variant type: single nucleotide variant.
Coding change: c.*29G>A on transcript NM_014845.6 (MANE Select); 29 bases downstream of the stop codon, G replaced by A.
Molecular consequence: 3 prime UTR variant.
Genome position (GRCh38, 1-based): chr6:109,825,294, G>A. VCF-style: chr6-109825294-G-A. GRCh37 (hg19) VCF-style: chr6-110146497-G-A.
Identifiers: ClinVar variation 355051 (VCV000355051.7), dbSNP rs10659, ClinGen allele CA3956505.